The following is an entry in ClinVar:

ClinVar aggregate classification (germline): Conflicting classifications of pathogenicity. Review status: criteria provided, conflicting classifications (1 of 4 stars). 3 submissions from 3 submitters: Uncertain significance (2); Likely benign (1). Last evaluated 2025-10-06.

Conditions:
Hereditary cancer-predisposing syndrome. Also called: Hereditary Cancer Syndrome; Hereditary neoplastic syndrome; Neoplastic Syndromes, Hereditary; Tumor predisposition. Identifiers: Orphanet 140162, MedGen C0027672, MeSH D009386, MONDO:0015356.
Breast-ovarian cancer, familial, susceptibility to, 4. Identifiers: Orphanet 145, MedGen C3280345, MONDO:0013669, OMIM 614291.

Submissions (3):

Ambry Genetics
Classification: Uncertain significance for Hereditary cancer-predisposing syndrome. Last evaluated: 2025-10-06. Review status: criteria provided, single submitter. Criteria: Ambry Variant Classification Scheme 2023. Collection method: clinical testing. Allele origin: germline.
Comment: The c.576+3G>A intronic variant results from a G to A substitution 3 nucleotides after coding exon 6 in the RAD51D gene. This nucleotide position is well conserved in available vertebrate species. In silico splice site analysis predicts that this alteration will not have any significant effect on splicing. Based on the available evidence, the clinical significance of this variant remains unclear.

Myriad Genetics, Inc.
Classification: Likely benign for Breast-ovarian cancer, familial, susceptibility to, 4. Last evaluated: 2025-02-24. Review status: criteria provided, single submitter. Criteria: Myriad Autosomal Dominant, Autosomal Recessive and X-Linked Classification Criteria (2023). Collection method: clinical testing. Allele origin: unknown.
Comment: This variant is considered likely benign. This variant is intronic and is not expected to impact mRNA splicing.

Color Diagnostics, LLC DBA Color Health
Classification: Uncertain significance for Hereditary cancer-predisposing syndrome. Last evaluated: 2021-11-29. Review status: criteria provided, single submitter. Criteria: ACMG Guidelines, 2015. Collection method: clinical testing. Allele origin: germline.
Comment: This variant causes a G to A nucleotide substitution at the +3 position of intron 6 of the RAD51D gene. To our knowledge, RNA studies have not been reported for this variant. This variant has not been reported in individuals affected with hereditary cancer in the literature. This variant has not been identified in the general population by the Genome Aggregation Database (gnomAD). The available evidence is insufficient to determine the role of this variant in disease conclusively. Therefore, this variant is classified as a Variant of Uncertain Significance.

NM_002878.4(RAD51D):c.576+3G>A

Genes: RAD51D (RAD51 paralog D; minus strand), RAD51L3-RFFL (RAD51L3-RFFL readthrough; minus strand). Cytogenetic location: 17q12.
Variant type: single nucleotide variant.
Coding change: c.576+3G>A on transcript NM_002878.4 (MANE Select); 3 bases into the intron after coding-DNA position 576, G replaced by A.
Molecular consequence: intron variant.
Genome position (GRCh38, 1-based): chr17:35,106,383, C>T on the plus strand (G>A on the coding strand, the complement: RAD51D is on the minus strand). VCF-style: chr17-35106383-C-T. GRCh37 (hg19) VCF-style: chr17-33433402-C-T.
Other names: c.240+3G>A (NM_133629.3); c.636+3G>A (NM_001142571.2).
Identifiers: ClinVar variation 1749480 (VCV001749480.6), dbSNP rs2142428750, ClinGen allele CA2580093478.
Genomic context (GRCh38, chr17:35,106,383, plus strand): 5'-TGCCCACAGAGATAGCACCTAGAAAGCTGAATTAAGCAAGGAGGGGCAGAACAGCAGGCT[C>T]ACCTGCTGGGCCACAGTGCCTCGGAGCTCCTGCAGCACATCCAGCATCTGGAAGATGTCA-3'